The following is an entry in ClinVar:

NM_000179.3(MSH6):c.3503C>G (p.Thr1168Arg)

Gene: MSH6 (mutS homolog 6; plus strand). Cytogenetic location: 2p16.3.
Variant type: single nucleotide variant.
Coding change: c.3503C>G on transcript NM_000179.3 (MANE Select); coding-DNA position 3503, C replaced by G.
Protein change: p.Thr1168Arg; replaces threonine 1168 with arginine.
Molecular consequence: missense variant. On other transcripts: non-coding transcript variant (4).
Genome position (GRCh38, 1-based): chr2:47,804,974, C>G. VCF-style: chr2-47804974-C-G. GRCh37 (hg19) VCF-style: chr2-48032113-C-G.
Other names: c.3113C>G, p.Thr1038Arg (NM_001281492.2); c.2597C>G, p.Thr866Arg (NM_001281493.2, NM_001281494.2, NM_001406811.1 and 6 more transcripts); c.3599C>G, p.Thr1200Arg (NM_001406795.1, NM_001406802.1); c.3503C>G, p.Thr1168Arg (NM_001406796.1, NM_001406800.1, NM_001406808.1 and 1 more transcripts); c.3206C>G, p.Thr1069Arg (NM_001406797.1, NM_001406801.1, NM_001406805.1 and 10 more transcripts); c.3329C>G, p.Thr1110Arg (NM_001406798.1); c.2978C>G, p.Thr993Arg (NM_001406799.1, NM_001406806.1, NM_001406807.1); c.2639C>G, p.Thr880Arg (NM_001406803.1); and 7 more; short protein forms T1038R, T1069R, T1110R, T1112R, T1142R, T1168R, T1170R, T117R.
Identifiers: ClinVar variation 4800228 (VCV004800228.1).

ClinVar aggregate classification (germline): Uncertain significance (1 of 4 stars; one submission).

Conditions:
Hereditary nonpolyposis colorectal neoplasms. Identifiers: MedGen C0009405, MeSH D003123.

Submission:

Labcorp Genetics (formerly Invitae), Labcorp
Classification: Uncertain significance for Hereditary nonpolyposis colorectal neoplasms. Last evaluated: 2025-06-15. Review status: criteria provided, single submitter. Criteria: Invitae Variant Classification Sherloc (09022015). Collection method: clinical testing. Allele origin: germline.
Comment: This sequence change replaces threonine, which is neutral and polar, with arginine, which is basic and polar, at codon 1168 of the MSH6 protein (p.Thr1168Arg). This variant is not present in population databases (gnomAD no frequency). This variant has not been reported in the literature in individuals affected with MSH6-related conditions. Invitae Evidence Modeling of protein sequence and biophysical properties (such as structural, functional, and spatial information, amino acid conservation, physicochemical variation, residue mobility, and thermodynamic stability) has been performed for this missense variant. However, the output from this modeling did not meet the statistical confidence thresholds required to predict the impact of this variant on MSH6 protein function. In summary, the available evidence is currently insufficient to determine the role of this variant in disease. Therefore, it has been classified as a Variant of Uncertain Significance.